The following is an entry in ClinVar:

ClinVar aggregate classification (germline): Uncertain significance (1 of 4 stars; one submission).

Conditions:
MHC class I deficiency. Identifiers: Orphanet 34592, MedGen C6024714, MONDO:0011476.

gnomAD v4.1: 1 of 1,613,078 alleles (0.000062%); highest among the groups gnomAD compares: Non-Finnish European, 0.000085%; no homozygotes.

Submission:

Labcorp Genetics (formerly Invitae), Labcorp
Classification: Uncertain significance for MHC class I deficiency 1. Last evaluated: 2019-11-25. Review status: criteria provided, single submitter. Criteria: Invitae Variant Classification Sherloc (09022015). Collection method: clinical testing. Allele origin: germline.
Comment: This sequence change replaces proline with threonine at codon 484 of the TAP2 protein (p.Pro484Thr). The proline residue is moderately conserved and there is a small physicochemical difference between proline and threonine. In summary, the available evidence is currently insufficient to determine the role of this variant in disease. Therefore, it has been classified as a Variant of Uncertain Significance. Algorithms developed to predict the effect of missense changes on protein structure and function are either unavailable or do not agree on the potential impact of this missense change (SIFT: "Tolerated"; PolyPhen-2: "Not Available"; Align-GVGD: "Class C0"). This variant has not been reported in the literature in individuals with TAP2-related conditions. This variant is not present in population databases (ExAC no frequency).

NM_001290043.2(TAP2):c.1450C>A (p.Pro484Thr)

Gene: TAP2 (transporter 2, ATP binding cassette subfamily B member; minus strand). Cytogenetic location: 6p21.32.
Variant type: single nucleotide variant.
Coding change: c.1450C>A on transcript NM_001290043.2 (MANE Select); coding-DNA position 1450, C replaced by A.
Protein change: p.Pro484Thr; replaces proline 484 with threonine.
Molecular consequence: missense variant.
Genome position (GRCh38, 1-based): chr6:32,830,629, G>T on the plus strand (C>A on the coding strand, the complement: TAP2 is on the minus strand). VCF-style: chr6-32830629-G-T. GRCh37 (hg19) VCF-style: chr6-32798406-G-T.
Other names: c.1450C>A, p.Pro484Thr (NM_018833.3, NM_000544.3); short protein forms P484T.
Identifiers: ClinVar variation 854595 (VCV000854595.9), dbSNP rs1769007598, ClinGen allele CA363580536.